The following is an entry in ClinVar:

NM_000203.5(IDUA):c.1799del (p.Pro599_Ser600insTer)

Gene: IDUA (alpha-L-iduronidase; plus strand). Cytogenetic location: 4p16.3.
Variant type: Deletion.
Coding change: c.1799del on transcript NM_000203.5 (MANE Select); coding-DNA position 1799, one base deleted (C; older notation c.1799delC).
Protein change: p.Pro599_Ser600insTer.
Molecular consequence: nonsense. On other transcripts: non-coding transcript variant (1).
Genome position (GRCh38, 1-based): chr4:1,004,083, C deleted. VCF-style (leftmost placement, unchanged base first): chr4-1004082-TC-T. GRCh37 (hg19) VCF-style: chr4-997870-TC-T.
Other names: NM_000203.5(IDUA):c.1799del; p.Pro599_Ser600insTer; c.1403del, p.Pro467_Ser468insTer (NM_001363576.1); c.1799delC (NM_000203.3, NM_000203.5).
Identifiers: ClinVar variation 92636 (VCV000092636.17), dbSNP rs398123258, ClinGen allele CA220505.

ClinVar aggregate classification (germline): Likely pathogenic. Review status: reviewed by expert panel (3 of 4 stars). 6 submissions from 6 submitters: Likely pathogenic (1). 5 of the submissions do not count toward it. Last evaluated 2024-12-06.

Conditions:
Mucopolysaccharidosis type 1. Also called: IDUA deficiency; MPS I; Mucopolysaccharidosis Type I. Identifiers: Orphanet 579, MedGen C0023786, MONDO:0001586.

Submissions (6):

ClinGen Lysosomal Storage Disorder Variant Curation Expert Panel
Classification: Likely pathogenic for Mucopolysaccharidosis type 1. Last evaluated: 2024-12-06. Review status: reviewed by expert panel. Criteria: ClinGen LSD ACMG Specifications IDUA V1.0.0. Collection method: curation. Allele origin: germline. Inheritance: Autosomal recessive inheritance.
Comment: The NM_000203.5(IDUA):c.1799del (p.Ser600Ter) variant in IDUA is a frameshift variant predicted to cause a premature stop codon in the last 50 nucleotides of the penultimate exon of the gene and therefore to escape nonsense mediated decay. Less than 10% of the protein is predicted to be removed. (PVS1_Moderate). At least 5 patients with this variant have been reported with this variant, four with documented clinical features consistent with MPS 1 and IDUA deficiency within the affected range in leukocytes; two had mildly elevated GAGs, one after receiving HSCT and one was possibly on treatment (clinical laboratory data) (PP4). Three patients were compound heterozygous for the variant and a variant in IDUA that has been classified as pathogenic or likely pathogenic by the ClinGen LD VCEP (c.208C>T (p.Gln70Ter), c.1728-2A>G, and c.1898C>G (p.Ser633Trp)) and none of those were confirmed in trans (clinical diagnostic lab). At least two individuals were homozygous for the variant PMID: 22976768, clinical diagnostic lab) (PM3_Strong). This variant is absent in gnomAD v4.1.0. (PM2_Supporting). To our knowledge, the results of functional assays have not been reported for this variant. There is a ClinVar entry for this variant (Variation ID: 92636). In summary, this variant meets the criteria to be classified as likely pathogenic for MPS I based on the ACMG/AMP criteria applied, as specified by the ClinGen Lysosomal Diseases Variant Curation Expert panel (Specifications Version 1.0.0): PVS1_Moderate, PP4, PM3_Strong, PM2_Supporting. (Classification approved by the ClinGen Lysosomal Diseases Variant Curation Expert Panel on December 6, 2024)

Labcorp Genetics (formerly Invitae), Labcorp
Classification: Pathogenic for Mucopolysaccharidosis type 1. Last evaluated: 2024-04-29. Review status: criteria provided, single submitter. Criteria: Invitae Variant Classification Sherloc (09022015). Collection method: clinical testing. Allele origin: germline. Not counted in ClinVar's aggregate classification.
Comment: This sequence change creates a premature translational stop signal (p.Ser600*) in the IDUA gene. While this is not anticipated to result in nonsense mediated decay, it is expected to disrupt the last 54 amino acid(s) of the IDUA protein. This variant is not present in population databases (gnomAD no frequency). This premature translational stop signal has been observed in individual(s) with mucopolysaccharidosis (PMID: 22976768). ClinVar contains an entry for this variant (Variation ID: 92636). Algorithms developed to predict the effect of sequence changes on RNA splicing suggest that this variant may disrupt the consensus splice site. This variant disrupts a region of the IDUA protein in which other variant(s) (p.Arg628*) have been determined to be pathogenic (PMID: 11735025, 16435195; Invitae). This suggests that this is a clinically significant region of the protein, and that variants that disrupt it are likely to be disease-causing. For these reasons, this variant has been classified as Pathogenic.

Revvity Omics, Revvity
Classification: Pathogenic. Last evaluated: 2024-03-25. Review status: criteria provided, single submitter. Criteria: ACMG Guidelines, 2015. Collection method: clinical testing. Allele origin: germline. Not counted in ClinVar's aggregate classification.

Women's Health and Genetics/Laboratory Corporation of America, LabCorp
Classification: Pathogenic for Mucopolysaccharidosis type 1. Last evaluated: 2016-11-03. Review status: criteria provided, single submitter. Criteria: LabCorp Variant Classification Summary - May 2015. Collection method: clinical testing. Allele origin: germline. Not counted in ClinVar's aggregate classification.
Comment: Variant summary: The IDUA c.1799delC (p.Ser600Terfs) variant results in a premature termination codon, predicted to cause a truncated or absent IDUA protein due to nonsense mediated decay, which are commonly known mechanisms for disease. One in silico tool predicts a damaging outcome for this variant. This variant is absent in 120794 control chromosomes. This variant has been reported homozygously in one mucopolysaccharidosis patient, and variant showed zero enzyme activity (Pollard_IUDA_IJMD_2013). In addition, one clinical diagnostic laboratory classified this variant as pathogenic. Taken together, this variant is classified as pathogenic.

Eurofins Ntd Llc (ga)
Classification: Pathogenic. Last evaluated: 2016-02-10. Review status: criteria provided, single submitter. Criteria: EGL Classification Definitions. Collection method: clinical testing. Allele origin: germline. Observed: 2 variant alleles, 1 heterozygote, 1 homozygote. Not counted in ClinVar's aggregate classification.

Natera, Inc.
Classification: Pathogenic for Mucopolysaccharidosis type I. Last evaluated: 2020-09-16. Review status: no assertion criteria provided. Collection method: clinical testing. Allele origin: germline. Not counted in ClinVar's aggregate classification.

Literature cited by the submitters: PubMed 22976768 (cited by Labcorp Genetics (formerly Invitae), Labcorp and Women's Health and Genetics/Laboratory Corporation of America, LabCorp); PubMed 11735025 (cited by Labcorp Genetics (formerly Invitae), Labcorp); PubMed 16435195 (cited by Labcorp Genetics (formerly Invitae), Labcorp).